The following is an entry in ClinVar:

NM_024426.6(WT1):c.905T>G (p.Met302Arg)

Gene: WT1 (WT1 transcription factor; minus strand). Cytogenetic location: 11p13.
Variant type: single nucleotide variant.
Coding change: c.905T>G on transcript NM_024426.6 (MANE Select); coding-DNA position 905, T replaced by G.
Protein change: p.Met302Arg; replaces methionine 302 with arginine.
Molecular consequence: missense variant. On other transcripts: non-coding transcript variant (2).
Genome position (GRCh38, 1-based): chr11:32,417,637, A>C on the plus strand (T>G on the coding strand, the complement: WT1 is on the minus strand). VCF-style: chr11-32417637-A-C. GRCh37 (hg19) VCF-style: chr11-32439183-A-C.
Other names: c.905T>G, p.Met302Arg (NM_000378.6, NM_001407044.1, NM_001407045.1 and 4 more transcripts); c.254T>G, p.Met85Arg (NM_001198551.2, NM_001198552.2); c.782T>G, p.Met261Arg (NM_001407047.1, NM_001407050.1); c.143T>G, p.Met48Arg (NM_001407051.1); c.890T>G, p.Met297Arg (NM_024425.2); short protein forms M48R, M302R, M297R, M85R, M261R.
Identifiers: ClinVar variation 2936945 (VCV002936945.4), dbSNP rs1208241960, ClinGen allele CA379962186.

ClinVar aggregate classification (germline): Uncertain significance. Review status: criteria provided, multiple submitters, no conflicts (2 of 4 stars). 2 submissions from 2 submitters: Uncertain significance (2). Last evaluated 2024-06-18.

Conditions:
Frasier syndrome. Identifiers: Orphanet 347, MedGen C0950122, MeSH D052159, MONDO:0007635, OMIM 136680.
Drash syndrome (DDS). Also called: NEPHROPATHY, WILMS TUMOR, AND GENITAL ANOMALIES; WILMS TUMOR AND PSEUDO- OR TRUE HERMAPHRODITISM. Identifiers: Orphanet 220, MedGen C0950121, MONDO:0008682, OMIM 194080.
Wilms tumor 1 (WT1). Also called: Wilms tumor, somatic. Identifiers: Orphanet 654, MedGen CN033288, MONDO:0008679, OMIM 194070.
11p partial monosomy syndrome (WAGR). Also called: CHROMOSOME 11p13 DELETION SYNDROME; WAGR syndrome; WAGR Complex; WAGR Spectrum Disorder. Identifiers: Orphanet 893, MedGen C0206115, MONDO:0008681, OMIM 194072.
Mesothelioma, malignant (MESOM). Also called: Malignant mesothelioma (disease). Identifiers: Orphanet 50251, MedGen C0345967, MONDO:0006292, OMIM 156240, HP:0100001.
Nephrotic syndrome, type 4 (NPHS4). Also called: Familial mesangial sclerosis; Nephrotic syndrome, early onset with diffuse mesangial sclerosis. Identifiers: Orphanet 656, MedGen C3151568, MONDO:0009733, OMIM 256370.
Meacham syndrome. Also called: Meacham Winn Culler syndrome. Identifiers: Orphanet 3097, MedGen C1837026, MONDO:0012164, OMIM 608978.

Submissions (2):

Fulgent Genetics
Classification: Uncertain significance for Frasier syndrome; Mesothelioma, malignant; Wilms tumor 1; Drash syndrome; Nephrotic syndrome, type 4; Meacham syndrome. Last evaluated: 2024-06-18. Review status: criteria provided, single submitter. Criteria: ACMG Guidelines, 2015. Collection method: clinical testing. Allele origin: germline.

Labcorp Genetics (formerly Invitae), Labcorp
Classification: Uncertain significance for Wilms tumor 1; Drash syndrome; 11p partial monosomy syndrome; Frasier syndrome. Last evaluated: 2023-03-30. Review status: criteria provided, single submitter. Criteria: Invitae Variant Classification Sherloc (09022015). Collection method: clinical testing. Allele origin: germline.
Comment: This variant has not been reported in the literature in individuals affected with WT1-related conditions. In summary, the available evidence is currently insufficient to determine the role of this variant in disease. Therefore, it has been classified as a Variant of Uncertain Significance. An algorithm developed to predict the effect of missense changes on protein structure and function (PolyPhen-2) suggests that this variant is likely to be disruptive. This variant is not present in population databases (gnomAD no frequency). This sequence change replaces methionine, which is neutral and non-polar, with arginine, which is basic and polar, at codon 297 of the WT1 protein (p.Met297Arg).